The following is an entry in ClinVar:

NM_001845.6(COL4A1):c.101C>T (p.Ser34Phe)

Gene: COL4A1 (collagen type IV alpha 1 chain; minus strand). Cytogenetic location: 13q34.
Variant type: single nucleotide variant.
Coding change: c.101C>T on transcript NM_001845.6 (MANE Select); coding-DNA position 101, C replaced by T.
Protein change: p.Ser34Phe; replaces serine 34 with phenylalanine.
Molecular consequence: missense variant.
Genome position (GRCh38, 1-based): chr13:110,242,718, G>A on the plus strand (C>T on the coding strand, the complement: COL4A1 is on the minus strand). VCF-style: chr13-110242718-G-A. GRCh37 (hg19) VCF-style: chr13-110895065-G-A.
Other names: c.101C>T, p.Ser34Phe (NM_001303110.2); short protein forms S34F.
Identifiers: ClinVar variation 2755637 (VCV002755637.3), dbSNP rs1881620817, ClinGen allele CA388731539.

ClinVar aggregate classification (germline): Uncertain significance (1 of 4 stars; one submission).

Allele frequency attached by ClinVar (database versions not stated): gnomAD exomes below 0.00001.
gnomAD v4.1: 1 of 1,614,204 alleles (0.000062%); highest among the groups gnomAD compares: Non-Finnish European, 0.000085%; no homozygotes.

Submission:

Labcorp Genetics (formerly Invitae), Labcorp
Classification: Uncertain significance. Last evaluated: 2023-08-27. Review status: criteria provided, single submitter. Criteria: Invitae Variant Classification Sherloc (09022015). Collection method: clinical testing. Allele origin: germline.
Comment: In summary, the available evidence is currently insufficient to determine the role of this variant in disease. Therefore, it has been classified as a Variant of Uncertain Significance. Advanced modeling of protein sequence and biophysical properties (such as structural, functional, and spatial information, amino acid conservation, physicochemical variation, residue mobility, and thermodynamic stability) performed at Invitae indicates that this missense variant is not expected to disrupt COL4A1 protein function. This variant has not been reported in the literature in individuals affected with COL4A1-related conditions. This variant is not present in population databases (gnomAD no frequency). This sequence change replaces serine, which is neutral and polar, with phenylalanine, which is neutral and non-polar, at codon 34 of the COL4A1 protein (p.Ser34Phe).